The following is an entry in ClinVar:

ClinVar aggregate classification (germline): Uncertain significance (1 of 4 stars; one submission).

Conditions:
Neurofibromatosis, type 1 (NF1). Also called: Neurofibromatosis, type I; VON RECKLINGHAUSEN DISEASE; NEUROFIBROMATOSIS, TYPE I, SOMATIC; Peripheral type neurofibromatosis. Identifiers: Orphanet 636, MedGen C0027831, MONDO:0018975, OMIM 162200. Disease mechanism: loss of function.

Submission:

Labcorp Genetics (formerly Invitae), Labcorp
Classification: Uncertain significance for Neurofibromatosis, type 1. Last evaluated: 2024-02-20. Review status: criteria provided, single submitter. Criteria: Invitae Variant Classification Sherloc (09022015). Collection method: clinical testing. Allele origin: germline.
Comment: This sequence change replaces aspartic acid, which is acidic and polar, with glycine, which is neutral and non-polar, at codon 1027 of the NF1 protein (p.Asp1027Gly). This variant is not present in population databases (gnomAD no frequency). This variant has not been reported in the literature in individuals affected with NF1-related conditions. ClinVar contains an entry for this variant (Variation ID: 1476564). Advanced modeling of protein sequence and biophysical properties (such as structural, functional, and spatial information, amino acid conservation, physicochemical variation, residue mobility, and thermodynamic stability) performed at Invitae indicates that this missense variant is expected to disrupt NF1 protein function with a positive predictive value of 95%. In summary, the available evidence is currently insufficient to determine the role of this variant in disease. Therefore, it has been classified as a Variant of Uncertain Significance.

NM_001042492.3(NF1):c.3080A>G (p.Asp1027Gly)

Gene: NF1 (neurofibromin 1; plus strand). Cytogenetic location: 17q11.2.
Variant type: single nucleotide variant.
Coding change: c.3080A>G on transcript NM_001042492.3 (MANE Select); coding-DNA position 3080, A replaced by G.
Protein change: p.Asp1027Gly; replaces aspartic acid 1027 with glycine.
Molecular consequence: missense variant.
Genome position (GRCh38, 1-based): chr17:31,230,349, A>G. VCF-style: chr17-31230349-A-G. GRCh37 (hg19) VCF-style: chr17-29557367-A-G.
Other names: c.3080A>G, p.Asp1027Gly (NM_000267.4); short protein forms D1027G.
Identifiers: ClinVar variation 1476564 (VCV001476564.8), dbSNP rs2151431688, ClinGen allele CA398987515.
Genomic context (GRCh38, chr17:31,230,349, plus strand): 5'-ATGCAATTCAAATAAAAACGAAACTGTGTCAATTAGTTGAAGTAATGATGGCAAGGAGAG[A>G]TGACCTCTCATTTTGCCAAGAGATGAAATTTAGGTGAGTTCTCAAAAGAGCAATGTAGGG-3'
Protein context (NP_001035957.1, residues 1017-1037): QLVEVMMARR[Asp1027Gly]DLSFCQEMKF